The following is an entry in ClinVar:

NM_052876.4(NACC1):c.271A>C (p.Ser91Arg)

Gene: NACC1 (nucleus accumbens associated 1; plus strand). Cytogenetic location: 19p13.13.
Variant type: single nucleotide variant.
Coding change: c.271A>C on transcript NM_052876.4 (MANE Select); coding-DNA position 271, A replaced by C.
Protein change: p.Ser91Arg; replaces serine 91 with arginine.
Molecular consequence: missense variant.
Genome position (GRCh38, 1-based): chr19:13,135,478, A>C. VCF-style: chr19-13135478-A-C. GRCh37 (hg19) VCF-style: chr19-13246292-A-C.
Other names: short protein forms S91R.
Identifiers: ClinVar variation 3877501 (VCV003877501.2).

ClinVar aggregate classification (germline): Uncertain significance (1 of 4 stars; one submission).

Conditions:
Inborn genetic diseases. Identifiers: MedGen C0950123, MeSH D030342.

Submission:

Ambry Genetics
Classification: Uncertain significance for Inborn genetic diseases. Last evaluated: 2025-05-22. Review status: criteria provided, single submitter. Criteria: Ambry Variant Classification Scheme 2023. Collection method: clinical testing. Allele origin: germline.
Comment: The c.271A>C (p.S91R) alteration is located in exon 2 (coding exon 1) of the NACC1 gene. This alteration results from a A to C substitution at nucleotide position 271, causing the serine (S) at amino acid position 91 to be replaced by an arginine (R). This variant was not reported in population-based cohorts in the Genome Aggregation Database (gnomAD). This amino acid position is well conserved in available vertebrate species. The in silico prediction for this alteration is inconclusive. Based on insufficient or conflicting evidence, the clinical significance of this alteration remains unclear.